The following is an entry in ClinVar:

NM_000264.5(PTCH1):c.1253A>T (p.Lys418Met)

Gene: PTCH1 (patched 1; minus strand). Cytogenetic location: 9q22.32.
Variant type: single nucleotide variant.
Coding change: c.1253A>T on transcript NM_000264.5 (MANE Select); coding-DNA position 1253, A replaced by T.
Protein change: p.Lys418Met; replaces lysine 418 with methionine.
Molecular consequence: missense variant. On other transcripts: non-coding transcript variant (1).
Genome position (GRCh38, 1-based): chr9:95,478,149, T>A on the plus strand (A>T on the coding strand, the complement: PTCH1 is on the minus strand). VCF-style: chr9-95478149-T-A. GRCh37 (hg19) VCF-style: chr9-98240431-T-A.
Other names: c.1055A>T, p.Lys352Met (NM_001083602.3); c.1250A>T, p.Lys417Met (NM_001083603.3); c.800A>T, p.Lys267Met (NM_001083604.3, NM_001083605.3, NM_001083606.3 and 1 more transcripts); c.1253A>T, p.Lys418Met (NM_001354918.2); short protein forms K352M, K417M, K418M, K267M.
Identifiers: ClinVar variation 1994722 (VCV001994722.4), dbSNP rs2118337233, ClinGen allele CA374118895.
Genomic context (GRCh38, chr9:95,478,149, plus strand): 5'-CTGACGTCAGAGAAGGATTTCAGGATGTCGTCCAGGGTCGTGGTGGTGAAGGAAAGCACC[T>A]TTTGAGTGGAGTTCTGTGCGACACTCTGATGAACCACCTGTGGTCACAACAGAATGCGAA-3'
Protein context (NP_000255.2, residues 408-428): HQSVAQNSTQ[Lys418Met]VLSFTTTTLD

ClinVar aggregate classification (germline): Uncertain significance (1 of 4 stars; one submission).

Conditions:
Gorlin syndrome. Also called: Basal cell nevus syndrome; Nevoid Basal Cell Carcinoma Syndrome. Identifiers: Orphanet 377, MedGen C0004779, MONDO:0007187.

Submission:

Labcorp Genetics (formerly Invitae), Labcorp
Classification: Uncertain significance for Gorlin syndrome. Last evaluated: 2022-05-15. Review status: criteria provided, single submitter. Criteria: Invitae Variant Classification Sherloc (09022015). Collection method: clinical testing. Allele origin: germline.
Comment: In summary, the available evidence is currently insufficient to determine the role of this variant in disease. Therefore, it has been classified as a Variant of Uncertain Significance. This sequence change replaces lysine, which is basic and polar, with methionine, which is neutral and non-polar, at codon 418 of the PTCH1 protein (p.Lys418Met). This variant is not present in population databases (gnomAD no frequency). This variant has not been reported in the literature in individuals affected with PTCH1-related conditions. Advanced modeling of protein sequence and biophysical properties (such as structural, functional, and spatial information, amino acid conservation, physicochemical variation, residue mobility, and thermodynamic stability) performed at Invitae indicates that this missense variant is not expected to disrupt PTCH1 protein function.